The following is an entry in ClinVar:

NM_003128.3(SPTBN1):c.2738G>A (p.Arg913His)

Genes: SPTBN1 (spectrin beta, non-erythrocytic 1; plus strand), LOC129933746 (ATAC-STARR-seq lymphoblastoid active region 15766; plus strand). Cytogenetic location: 2p16.2.
Variant type: single nucleotide variant.
Coding change: c.2738G>A on transcript NM_003128.3 (MANE Select); coding-DNA position 2738, G replaced by A.
Protein change: p.Arg913His; replaces arginine 913 with histidine.
Molecular consequence: missense variant.
Genome position (GRCh38, 1-based): chr2:54,629,960, G>A. VCF-style: chr2-54629960-G-A. GRCh37 (hg19) VCF-style: chr2-54857097-G-A.
Other names: c.2699G>A, p.Arg900His (NM_178313.3); short protein forms R900H, R913H.
Identifiers: ClinVar variation 4537371 (VCV004537371.1).
Genomic context (GRCh38, chr2:54,629,960, plus strand): 5'-GCCTAGAACCAGAAATGAACAACCAGGCTTCCCGGGTTGCAGTGGTGAACCAGATTGCAC[G>A]CCAGCTGATGCACAGCGGCCACCCAAGTGAGAAGGAAATCAAAGCCCAGCAGGACAAACT-3'
Protein context (NP_003119.2, residues 903-923): SRVAVVNQIA[Arg913His]QLMHSGHPSE

ClinVar aggregate classification (germline): Uncertain significance (1 of 4 stars; one submission).

Conditions:
Developmental delay, impaired speech, and behavioral abnormalities. Identifiers: MedGen C5561957, MONDO:0859178, OMIM 619475.

gnomAD v4.1: 1 of 1,613,998 alleles (0.000062%); no homozygotes.

Submission:

Genetics Department, Catlab
Classification: Uncertain significance for Developmental delay, impaired speech, and behavioral abnormalities. Last evaluated: 2025-09-17. Review status: criteria provided, single submitter. Criteria: ACMG Guidelines, 2015. Collection method: clinical testing. Allele origin: germline. Affected: yes. Observed: 1 variant allele.
Comment: The c.2738G>A missense variant alters the protein at position 913, changing the arginine at that position to histidine. This change is extremely rare in gnomAD v4.1 (AF=6.5701e-06) (PM2_moderate) and has not been previously described in patients. The missense z-score for the SPTBN1 gene is 5.90 (PP2_supporting) and the REVEL score is 0.29 (BP4_supporting). With all the available evidence, the variant is classified as of uncertain significance.